The following is an entry in ClinVar:

NM_013275.6(ANKRD11):c.1601A>G (p.Gln534Arg)

Gene: ANKRD11 (ankyrin repeat domain 11; minus strand). Cytogenetic location: 16q24.3.
Variant type: single nucleotide variant.
Coding change: c.1601A>G on transcript NM_013275.6 (MANE Select); coding-DNA position 1601, A replaced by G.
Protein change: p.Gln534Arg; replaces glutamine 534 with arginine.
Molecular consequence: missense variant.
Genome position (GRCh38, 1-based): chr16:89,284,941, T>C on the plus strand (A>G on the coding strand, the complement: ANKRD11 is on the minus strand). VCF-style: chr16-89284941-T-C. GRCh37 (hg19) VCF-style: chr16-89351349-T-C.
Other names: c.1601A>G, p.Gln534Arg (NM_001256182.2, NM_001256183.2); short protein forms Q534R.
Identifiers: ClinVar variation 4886913 (VCV004886913.1).

ClinVar aggregate classification (germline): Uncertain significance (0 of 4 stars; one submission).

Conditions:
Isolated dental anomalies.

Submission:

Center of Excellence in Medical Genetics Research, Chiang Mai University
Classification: Uncertain significance for Isolated dental anomalies. Last evaluated: 2026-08-18. Review status: no assertion criteria provided. Collection method: research. Allele origin: germline. Affected: yes. Observed: 1 variant allele.
Comment: NM_013275.6:c.1601A>G is a missense variant in ANKRD11. The in silico mutation prediction results were MutationTaster (Disease Causing; 0.941898755478761), PolyPhen-2 (Benign; 0.156), SIFT (Benign Supporting; 0.033), CADD (21.5), and DANN (Uncertain; 0.9868) (BP4). The variant was detected in 1/2184 alleles in the T-Rex database (Thai exomes) and absent in gnomAD (PM2). In summary, based on the ACMG/AMP criteria applied, this variant meets the criteria to be classified as a variant of uncertain significance (VUS) for isolated dental anomalies.